The following is an entry in ClinVar:

ClinVar aggregate classification (germline): Uncertain significance (1 of 4 stars; one submission).

Conditions:
Beck-Fahrner syndrome (BEFAHRS). Identifiers: Orphanet 684216, MedGen C5394097, MONDO:0032922, OMIM 618798.

Submission:

Victorian Clinical Genetics Services, Murdoch Childrens Research Institute
Classification: Uncertain significance for Beck-Fahrner syndrome. Last evaluated: 2026-07-07. Review status: criteria provided, single submitter. Criteria: ACMG Guidelines, 2015. Collection method: clinical testing. Allele origin: germline. Affected: yes.
Comment: This variant is classified as VUS-3B. Evidence in support of pathogenic classification: Variant is absent from gnomAD (v4). Additional information: Variant is predicted to result in a missense amino acid change from Ala to Ser; This variant is heterozygous; This gene is associated with autosomal dominant disease. There have been reports of autosomal recessive disease; however, it has been noted that ClinGen have rated the autosomal recessive gene disease association as limited (CCID:008155); Alternative amino acid change(s) at the same position are present in gnomAD (highest allele count: v4: 1 heterozygote(s), 0 homozygote(s)); This variant has no previous evidence of pathogenicity; No published evidence of segregation with disease has been identified for this variant; No published functional evidence has been identified for this variant; No comparable missense variants have previous evidence for pathogenicity; Variant is not located in an established domain, motif, hotspot or informative constraint region; Missense variant with inconclusive in silico prediction and/or uninformative conservation; Dominant negative and loss of function are suggested mechanisms of disease in this gene and are associated with Beck-Fahrner syndrome (MIM#618798). In addition biallelic missense variants have been shown to be hypomorphic (PMID: 31928709); Variants in this gene are known to have variable expressivity (OMIM, PMID: 37200470); Inheritance information for this variant is not currently available in this individual.

Literature cited by the submitters: PubMed 31928709; PubMed 37200470.

NM_001287491.2(TET3):c.2899G>T (p.Ala967Ser)

Gene: TET3 (tet methylcytosine dioxygenase 3; plus strand). Cytogenetic location: 2p13.1.
Variant type: single nucleotide variant.
Coding change: c.2899G>T on transcript NM_001287491.2 (MANE Select); coding-DNA position 2899, G replaced by T.
Protein change: p.Ala967Ser; replaces alanine 967 with serine.
Molecular consequence: missense variant.
Genome position (GRCh38, 1-based): chr2:74,089,907, G>T. VCF-style: chr2-74089907-G-T. GRCh37 (hg19) VCF-style: chr2-74317034-G-T.
Other names: c.2620G>T, p.Ala874Ser (NM_001366022.1); short protein forms A874S, A967S.
Identifiers: ClinVar variation 4879695 (VCV004879695.1).
Genomic context (GRCh38, chr2:74,089,907, plus strand): 5'-GAACGAAGGGATATTGCATCTATATCCCTGACCTGTGCTGTGTGTTGCAGCCGGACCTGC[G>T]CTTGCCAAGGCAAAGACCCCAACACCTGTGGTGCCTCCTTCTCCTTTGGTTGTTCCTGGA-3'
Protein context (NP_001274420.1, residues 957-977): RCGLNDDRTC[Ala967Ser]CQGKDPNTCG